The following is an entry in ClinVar:

ClinVar aggregate classification (germline): Uncertain significance. Review status: criteria provided, multiple submitters, no conflicts (2 of 4 stars). 3 submissions from 3 submitters: Uncertain significance (3). Last evaluated 2024-06-20.

Conditions:
C3 glomerulonephritis. Also called: Nephropathy due to CFHR5 Deficiency; C3 GLOMERULOPATHY 3. Identifiers: Orphanet 329931, MedGen C4055342, MONDO:0013892, OMIM 614809.

Allele frequency attached by ClinVar (database versions not stated): gnomAD 0.00002; TOPMed 0.00003; ESP Exome Variant Server 0.00008.
gnomAD v4.1: 31 of 1,613,102 alleles (0.0019%); highest among the groups gnomAD compares: Non-Finnish European, 0.0025%; no homozygotes.

Submissions (3):

Mayo Clinic Laboratories, Mayo Clinic
Classification: Uncertain significance. Last evaluated: 2024-06-20. Review status: criteria provided, single submitter. Criteria: ACMG Guidelines, 2015. Collection method: clinical testing. Allele origin: germline. Observed: 1 variant allele.

Department of Pathology and Laboratory Medicine, Sinai Health System
Classification: Uncertain significance for C3 glomerulonephritis. Last evaluated: 2022-05-11. Review status: criteria provided, single submitter. Criteria: ACMG Guidelines, 2015. Collection method: research. Allele origin: germline.

Labcorp Genetics (formerly Invitae), Labcorp
Classification: Uncertain significance. Last evaluated: 2022-04-25. Review status: criteria provided, single submitter. Criteria: Invitae Variant Classification Sherloc (09022015). Collection method: clinical testing. Allele origin: germline.
Comment: Algorithms developed to predict the effect of missense changes on protein structure and function are either unavailable or do not agree on the potential impact of this missense change (SIFT: "Tolerated"; PolyPhen-2: "Probably Damaging"; Align-GVGD: "Class C0"). In summary, the available evidence is currently insufficient to determine the role of this variant in disease. Therefore, it has been classified as a Variant of Uncertain Significance. This variant has not been reported in the literature in individuals affected with CFHR5-related conditions. This sequence change replaces glycine, which is neutral and non-polar, with arginine, which is basic and polar, at codon 245 of the CFHR5 protein (p.Gly245Arg). This variant is present in population databases (rs201808624, gnomAD 0.004%).

NM_030787.4(CFHR5):c.733G>A (p.Gly245Arg)

Gene: CFHR5 (complement factor H related 5; plus strand). Cytogenetic location: 1q31.3.
Variant type: single nucleotide variant.
Coding change: c.733G>A on transcript NM_030787.4 (MANE Select); coding-DNA position 733, G replaced by A.
Protein change: p.Gly245Arg; replaces glycine 245 with arginine.
Molecular consequence: missense variant.
Genome position (GRCh38, 1-based): chr1:196,995,842, G>A. VCF-style: chr1-196995842-G-A. GRCh37 (hg19) VCF-style: chr1-196964972-G-A.
Other names: p.Gly245Arg; short protein forms G245R.
Identifiers: ClinVar variation 1949340 (VCV001949340.7), dbSNP rs201808624, ClinGen allele CA1307847.